The following is an entry in ClinVar:

ClinVar aggregate classification (germline): Uncertain significance. Review status: criteria provided, multiple submitters, no conflicts (2 of 4 stars). 2 submissions from 2 submitters: Uncertain significance (2). Last evaluated 2024-04-24.

Conditions:
Hereditary cancer-predisposing syndrome. Also called: Tumor predisposition; Hereditary Cancer Syndrome; Hereditary neoplastic syndrome; Neoplastic Syndromes, Hereditary. Identifiers: Orphanet 140162, MedGen C0027672, MeSH D009386, MONDO:0015356.
Familial adenomatous polyposis 2. Also called: FAP type 2; MUTYH Polyposis; COLORECTAL ADENOMATOUS POLYPOSIS, AUTOSOMAL RECESSIVE; ADENOMAS, MULTIPLE COLORECTAL, AUTOSOMAL RECESSIVE; MUTYH-associated polyposis; MUTYH-related attenuated familial adenomatous polyposis. Identifiers: Orphanet 220460, Orphanet 247798, MedGen C3272841, MONDO:0012041, OMIM 608456.

Allele frequency attached by ClinVar (database versions not stated): gnomAD 0.00001.
gnomAD v4.1: 1 of 1,614,092 alleles (0.000062%); highest among the groups gnomAD compares: Non-Finnish European, 0.000085%; no homozygotes.

Submissions (2):

Ambry Genetics
Classification: Uncertain significance for Hereditary cancer-predisposing syndrome. Last evaluated: 2024-04-24. Review status: criteria provided, single submitter. Criteria: Ambry Variant Classification Scheme 2023. Collection method: clinical testing. Allele origin: germline.
Comment: The p.C375S variant (also known as c.1124G>C), located in coding exon 12 of the MUTYH gene, results from a G to C substitution at nucleotide position 1124. The cysteine at codon 375 is replaced by serine, an amino acid with dissimilar properties. This amino acid position is highly conserved in available vertebrate species. In addition, this alteration is predicted to be deleterious by in silico analysis. Since supporting evidence is limited at this time, the clinical significance of this alteration remains unclear.

Labcorp Genetics (formerly Invitae), Labcorp
Classification: Uncertain significance for Familial adenomatous polyposis 2. Last evaluated: 2022-02-22. Review status: criteria provided, single submitter. Criteria: Invitae Variant Classification Sherloc (09022015). Collection method: clinical testing. Allele origin: germline.
Comment: This sequence change replaces cysteine, which is neutral and slightly polar, with serine, which is neutral and polar, at codon 375 of the MUTYH protein (p.Cys375Ser). This variant is not present in population databases (gnomAD no frequency). This variant has not been reported in the literature in individuals affected with MUTYH-related conditions. ClinVar contains an entry for this variant (Variation ID: 818384). Algorithms developed to predict the effect of missense changes on protein structure and function are either unavailable or do not agree on the potential impact of this missense change (SIFT: "Deleterious"; PolyPhen-2: "Possibly Damaging"; Align-GVGD: "Class C0"). In summary, the available evidence is currently insufficient to determine the role of this variant in disease. Therefore, it has been classified as a Variant of Uncertain Significance.

NM_001048174.2(MUTYH):c.1040G>C (p.Cys347Ser)

Gene: MUTYH (mutY DNA glycosylase; minus strand). Cytogenetic location: 1p34.1.
Variant type: single nucleotide variant.
Coding change: c.1040G>C on transcript NM_001048174.2 (MANE Select); coding-DNA position 1040, G replaced by C.
Protein change: p.Cys347Ser; replaces cysteine 347 with serine.
Molecular consequence: missense variant. On other transcripts: non-coding transcript variant (2).
Genome position (GRCh38, 1-based): chr1:45,331,723, C>G on the plus strand (G>C on the coding strand, the complement: MUTYH is on the minus strand). VCF-style: chr1-45331723-C-G. GRCh37 (hg19) VCF-style: chr1-45797395-C-G.
Other names: c.1040G>C, p.Cys347Ser (NM_001048171.2, NM_001048173.2, NM_001293195.2); c.1043G>C, p.Cys348Ser (NM_001048172.2); c.1124G>C, p.Cys375Ser (NM_001128425.2); c.1085G>C, p.Cys362Ser (NM_001293190.2); c.1073G>C, p.Cys358Ser (NM_001293191.2); c.764G>C, p.Cys255Ser (NM_001293192.2, NM_001293196.2); c.695G>C, p.Cys232Ser (NM_001350650.2, NM_001350651.2); c.1115G>C, p.Cys372Ser (NM_012222.3); short protein forms C255S, C347S, C348S, C358S, C362S, C232S, C372S, C375S.
Identifiers: ClinVar variation 818384 (VCV000818384.13), dbSNP rs1570382822, ClinGen allele CA340133477.
Genomic context (GRCh38, chr1:45,331,723, plus strand): 5'-GAGTTGGGCCTCTGCACCAGCAGAATTTGGGCCCCAAGGGCCCCAGGCTGTTCCAGAACA[C>G]AGGTGGCAGAGCTCTCCTCCCTGGGGGGCTTGCGGCTGGCCTTTCTGGGGAAGTTGACCA-3'
Protein context (NP_001041639.1, residues 337-357): KPPREESSAT[Cys347Ser]VLEQPGALGA